The following is an entry in ClinVar:

NM_000138.5(FBN1):c.1960G>C (p.Asp654His)

Gene: FBN1 (fibrillin 1; minus strand). Cytogenetic location: 15q21.1.
Variant type: single nucleotide variant.
Coding change: c.1960G>C on transcript NM_000138.5 (MANE Select); coding-DNA position 1960, G replaced by C.
Protein change: p.Asp654His; replaces aspartic acid 654 with histidine.
Molecular consequence: missense variant.
Genome position (GRCh38, 1-based): chr15:48,505,025, C>G on the plus strand (G>C on the coding strand, the complement: FBN1 is on the minus strand). VCF-style: chr15-48505025-C-G. GRCh37 (hg19) VCF-style: chr15-48797222-C-G.
Other names: short protein forms D654H.
Identifiers: ClinVar variation 569768 (VCV000569768.8), dbSNP rs1566913969, ClinGen allele CA392338953.
Genomic context (GRCh38, chr15:48,505,025, plus strand): 5'-GCTTTATTGAGTGACAGAGGCTGAACCTCTCTCATAAGGTTAGCCATGATGTTTTCTTAC[C>G]AACACACACACGGCCATCCAGACCCACAGCCAGTCCAGGGAAGCATTCACATCTGTAGGA-3'
Protein context (NP_000129.3, residues 644-664): AVGLDGRVCV[Asp654His]THMRSTCYGG

ClinVar aggregate classification (germline): Uncertain significance (1 of 4 stars; one submission).

Conditions:
Familial thoracic aortic aneurysm and aortic dissection (TAAD). Also called: Thoracic aortic aneurysms and dissections. Identifiers: Orphanet 91387, MedGen C4707243, MONDO:0019625.
Marfan syndrome (MFS). Also called: FBN1-Related Marfan Syndrome; Marfan syndrome type 1; Marfan's syndrome; Marfan syndrome, classic; MARFAN SYNDROME, TYPE I. Identifiers: Orphanet 284963, Orphanet 558, MedGen C0024796, MONDO:0007947, OMIM 154700.

Submission:

Labcorp Genetics (formerly Invitae), Labcorp
Classification: Uncertain significance for Marfan syndrome; Familial thoracic aortic aneurysm and aortic dissection. Last evaluated: 2018-06-19. Review status: criteria provided, single submitter. Criteria: Invitae Variant Classification Sherloc (09022015). Collection method: clinical testing. Allele origin: germline.
Comment: This sequence change replaces aspartic acid with histidine at codon 654 of the FBN1 protein (p.Asp654His). The aspartic acid residue is highly conserved and there is a moderate physicochemical difference between aspartic acid and histidine. This variant also falls at the last nucleotide of exon 16 of the FBN1 coding sequence, which is part of the consensus splice site for this exon. This variant is not present in population databases (ExAC no frequency). This variant has not been reported in the literature in individuals with FBN1-related disease. Algorithms developed to predict the effect of missense changes on protein structure and function are either unavailable or do not agree on the potential impact of this missense change (SIFT: "Deleterious"; PolyPhen-2: "Probably Damaging"; Align-GVGD: "Class C0"). Nucleotide substitutions within the consensus splice site are a relatively common cause of aberrant splicing (PMID: 17576681, 9536098). Algorithms developed to predict the effect of sequence changes on RNA splicing suggest that this variant may disrupt the consensus splice site, but this prediction has not been confirmed by published transcriptional studies. In summary, the available evidence is currently insufficient to determine the role of this variant in disease. Therefore, it has been classified as a Variant of Uncertain Significance.

Literature cited by the submitters: PubMed 17576681; PubMed 9536098.